The following is an entry in ClinVar:

NM_000526.5(KRT14):c.89G>A (p.Arg30His)

Gene: KRT14 (keratin 14; minus strand). Cytogenetic location: 17q21.2.
Variant type: single nucleotide variant.
Coding change: c.89G>A on transcript NM_000526.5 (MANE Select); coding-DNA position 89, G replaced by A.
Protein change: p.Arg30His; replaces arginine 30 with histidine.
Molecular consequence: missense variant.
Genome position (GRCh38, 1-based): chr17:41,586,746, C>T on the plus strand (G>A on the coding strand, the complement: KRT14 is on the minus strand). VCF-style: chr17-41586746-C-T. GRCh37 (hg19) VCF-style: chr17-39742998-C-T.
Other names: short protein forms R30H.
Identifiers: ClinVar variation 3625248 (VCV003625248.2).

ClinVar aggregate classification (germline): Uncertain significance (1 of 4 stars; one submission).

gnomAD v4.1: 14 of 1,584,344 alleles (0.00088%); highest among the groups gnomAD compares: African/African-American, 0.0067%; no homozygotes.

Submission:

Labcorp Genetics (formerly Invitae), Labcorp
Classification: Uncertain significance. Last evaluated: 2024-07-29. Review status: criteria provided, single submitter. Criteria: Invitae Variant Classification Sherloc (09022015). Collection method: clinical testing. Allele origin: germline.
Comment: This sequence change replaces arginine, which is basic and polar, with histidine, which is basic and polar, at codon 30 of the KRT14 protein (p.Arg30His). This variant is not present in population databases (gnomAD no frequency). This variant has not been reported in the literature in individuals affected with KRT14-related conditions. Experimental studies and prediction algorithms are not available or were not evaluated, and the functional significance of this variant is currently unknown. In summary, the available evidence is currently insufficient to determine the role of this variant in disease. Therefore, it has been classified as a Variant of Uncertain Significance.